The following is an entry in ClinVar:

NM_001252102.2(KIF21B):c.3194C>A (p.Thr1065Lys)

Gene: KIF21B (kinesin family member 21B; minus strand). Cytogenetic location: 1q32.1.
Variant type: single nucleotide variant.
Coding change: c.3194C>A on transcript NM_001252102.2 (MANE Select); coding-DNA position 3194, C replaced by A.
Protein change: p.Thr1065Lys; replaces threonine 1065 with lysine.
Molecular consequence: missense variant.
Genome position (GRCh38, 1-based): chr1:200,988,870, G>T on the plus strand (C>A on the coding strand, the complement: KIF21B is on the minus strand). VCF-style: chr1-200988870-G-T. GRCh37 (hg19) VCF-style: chr1-200957998-G-T.
Other names: c.3194C>A, p.Thr1065Lys (NM_001252100.2, NM_001252103.2, NM_017596.4); short protein forms T1065K.
Identifiers: ClinVar variation 3767752 (VCV003767752.1).
Genomic context (GRCh38, chr1:200,988,870, plus strand): 5'-TCAGCCTTCTCACGCAGGGCGTCCAGGAGCAGATGGTTCTGGGAGGAGCCTGCCATATCC[G>T]TCTGCCTCAGTCGGCCCTCCAACAGCCGGATCTGGGCTTCCTTTTGTGCCACTTGCAGCC-3'
Protein context (NP_001239031.1, residues 1055-1075): IRLLEGRLRQ[Thr1065Lys]DMAGSSQNHL

ClinVar aggregate classification (germline): Uncertain significance (1 of 4 stars; one submission).

Submission:

GeneDx
Classification: Uncertain significance. Last evaluated: 2024-09-03. Review status: criteria provided, single submitter. Criteria: GeneDx Variant Classification Process June 2021. Collection method: clinical testing. Allele origin: germline. Affected: yes.
Comment: Not observed at significant frequency in large population cohorts (gnomAD); In silico analysis supports that this missense variant has a deleterious effect on protein structure/function; Has not been previously published as pathogenic or benign to our knowledge